The following is an entry in ClinVar:

ClinVar aggregate classification (germline): Uncertain significance (0 of 4 stars; one submission).

Conditions:
Sex Hormone-Binding Globulin Deficiency. Identifiers: MedGen C4054031.

Allele frequency attached by ClinVar (database versions not stated): gnomAD 0.00015 and 0.00019; TOPMed 0.00017; gnomAD exomes 0.00020 and 0.00039; ExAC 0.00031; ESP Exome Variant Server 0.00038.
gnomAD v4.1: 337 of 1,614,064 alleles (0.021%); highest among the groups gnomAD compares: South Asian, 0.072%; 1 homozygote.

Submission:

GBinsight Genetic Testing by GB HealthWatch, Genben Lifesciences Corporation
Classification: Uncertain significance for Sex Hormone-Binding Globulin Deficiency. Last evaluated: 2020-05-27. Review status: no assertion criteria provided. Collection method: clinical testing. Allele origin: germline. Inheritance: Autosomal recessive inheritance. Affected: yes. Observed: 1 homozygote.
Comment: Clinical genetic testing identified homozygosity for the p.Asp376Asn (NM_001040.5:c.1126G>A) genetic variant in the the germline. In silico algorithms predict this variant to be deleterious and partially conserved. In gnomAD, allele frequency of this variant is 0.000386 without a single case of a homozygote. There is no in vivo evidence that this variant is functional or clinically significant and is therefore classified as a variant of uncertain significance.

NM_001040.5(SHBG):c.1126G>A (p.Asp376Asn)

Gene: SHBG (sex hormone binding globulin; plus strand). Cytogenetic location: 17p13.1.
Variant type: single nucleotide variant.
Coding change: c.1126G>A on transcript NM_001040.5 (MANE Select); coding-DNA position 1126, G replaced by A.
Protein change: p.Asp376Asn; replaces aspartic acid 376 with asparagine.
Molecular consequence: missense variant. On other transcripts: 3 prime UTR variant (2).
Genome position (GRCh38, 1-based): chr17:7,633,269, G>A. VCF-style: chr17-7633269-G-A. GRCh37 (hg19) VCF-style: chr17-7536587-G-A.
Other names: c.1072G>A, p.Asp358Asn (NM_001146279.3); c.*36G>A (NM_001146280.3, NM_001289115.2); c.781G>A, p.Asp261Asn (NM_001146281.3); c.952G>A, p.Asp318Asn (NM_001289113.2, NM_001289114.2); c.778G>A, p.Asp260Asn (NM_001289116.2); short protein forms D260N, D318N, D376N, D261N, D358N.
Identifiers: ClinVar variation 917853 (VCV000917853.2), dbSNP rs138612626, ClinGen allele CA8354489.